The following is an entry in ClinVar:

NM_002485.5(NBN):c.1412A>G (p.Glu471Gly)

Gene: NBN (nibrin; minus strand). Cytogenetic location: 8q21.3.
Variant type: single nucleotide variant.
Coding change: c.1412A>G on transcript NM_002485.5 (MANE Select); coding-DNA position 1412, A replaced by G.
Protein change: p.Glu471Gly; replaces glutamic acid 471 with glycine.
Molecular consequence: missense variant.
Genome position (GRCh38, 1-based): chr8:89,953,677, T>C on the plus strand (A>G on the coding strand, the complement: NBN is on the minus strand). VCF-style: chr8-89953677-T-C. GRCh37 (hg19) VCF-style: chr8-90965905-T-C.
Other names: c.1166A>G, p.Glu389Gly (NM_001024688.3); short protein forms E471G, E389G.
Identifiers: ClinVar variation 239185 (VCV000239185.27), dbSNP rs878854505, ClinGen allele CA10582597.
Genomic context (GRCh38, chr8:89,953,677, plus strand): 5'-TCTAAAAGAGAACAAGACGTTTCTATTCTTGCTGATTTGCATGAAGACATTTCTTGATTT[T>C]CTTCATCCCTTTCCCTTAGATTTAAAAAAAAAGAAGAAAACAAAACAAGAAAATGAACAC-3'
Protein context (NP_002476.2, residues 461-481): PSTKKRERDE[Glu471Gly]NQEMSSCKSA

ClinVar aggregate classification (germline): Uncertain significance. Review status: criteria provided, multiple submitters, no conflicts (2 of 4 stars). 6 submissions from 6 submitters: Uncertain significance (5). 1 of the submissions does not count toward it. Last evaluated 2026-01-06.

Conditions:
Hereditary cancer-predisposing syndrome. Also called: Neoplastic Syndromes, Hereditary; Tumor predisposition; Hereditary neoplastic syndrome; Hereditary Cancer Syndrome. Identifiers: Orphanet 140162, MedGen C0027672, MeSH D009386, MONDO:0015356.
Microcephaly, normal intelligence and immunodeficiency (NBS). Also called: Ataxia telangiectasia variant V1; Nijmegen breakage syndrome; Microcephaly with normal intelligence immunodeficiency and lymphoreticular malignancies; Nonsyndromal microcephaly autosomal recessive with normal intelligence; Seemanova syndrome 2; IMMUNODEFICIENCY, MICROCEPHALY, AND CHROMOSOMAL INSTABILITY. Identifiers: Orphanet 647, MedGen C0398791, MONDO:0009623, OMIM 251260.
Aplastic anemia. Identifiers: Orphanet 182040, Orphanet 88, MedGen C0002874, MONDO:0015909, OMIM 609135, HP:0001915.

Allele frequency attached by ClinVar (database versions not stated): gnomAD exomes below 0.00001; TOPMed below 0.00001; gnomAD 0.00001.
gnomAD v4.1: 3 of 1,610,706 alleles (0.00019%); highest among the groups gnomAD compares: Admixed American, 0.005%; no homozygotes.

Submissions (6):

Labcorp Genetics (formerly Invitae), Labcorp
Classification: Uncertain significance for Microcephaly, normal intelligence and immunodeficiency. Last evaluated: 2026-01-06. Review status: criteria provided, single submitter. Criteria: Invitae Variant Classification Sherloc (09022015). Collection method: clinical testing. Allele origin: germline.
Comment: This sequence change replaces glutamic acid, which is acidic and polar, with glycine, which is neutral and non-polar, at codon 471 of the NBN protein (p.Glu471Gly). This variant is not present in population databases (gnomAD no frequency). This variant has not been reported in the literature in individuals affected with NBN-related conditions. ClinVar contains an entry for this variant (Variation ID: 239185). An algorithm developed to predict the effect of missense changes on protein structure and function (PolyPhen-2) suggests that this variant is likely to be disruptive. Algorithms developed to predict the effect of sequence changes on RNA splicing suggest that this variant may disrupt the consensus splice site. In summary, the available evidence is currently insufficient to determine the role of this variant in disease. Therefore, it has been classified as a Variant of Uncertain Significance.

Women's Health and Genetics/Laboratory Corporation of America, LabCorp
Classification: Uncertain significance. Last evaluated: 2025-09-03. Review status: criteria provided, single submitter. Criteria: LabCorp Variant Classification Summary - May 2015. Collection method: clinical testing. Allele origin: germline.
Comment: Variant summary: NBN c.1412A>G (p.Glu471Gly) results in a non-conservative amino acid change in the encoded protein sequence. Algorithms developed to predict the effect of missense changes on protein structure and function are either unavailable or do not agree on the potential impact of this missense change. The variant was absent in 247578 control chromosomes. The available data on variant occurrences in the general population are insufficient to allow any conclusion about variant significance. c.1412A>G has been reported in the literature, without strong evidence for causality (Martin_2024). These report(s) do not provide unequivocal conclusions about association of the variant with Nijmegen Breakage Syndrome. To our knowledge, no experimental evidence demonstrating an impact on protein function has been reported. The following publication has been ascertained in the context of this evaluation (PMID: 38566764). ClinVar contains an entry for this variant (Variation ID: 239185). Based on the evidence outlined above, the variant was classified as uncertain significance.

Ambry Genetics
Classification: Uncertain significance for Hereditary cancer-predisposing syndrome. Last evaluated: 2025-08-09. Review status: criteria provided, single submitter. Criteria: Ambry Variant Classification Scheme 2023. Collection method: clinical testing. Allele origin: germline.
Comment: The p.E471G variant (also known as c.1412A>G), located in coding exon 11 of the NBN gene, results from an A to G substitution at nucleotide position 1412. The glutamic acid at codon 471 is replaced by glycine, an amino acid with similar properties. This amino acid position is highly conserved in available vertebrate species. In addition, this alteration is predicted to be tolerated by in silico analysis. Since supporting evidence is limited at this time, the clinical significance of this alteration remains unclear.

Baylor Genetics
Classification: Uncertain significance for Aplastic anemia. Last evaluated: 2023-10-16. Review status: criteria provided, single submitter. Criteria: ACMG Guidelines, 2015. Collection method: clinical testing. Allele origin: unknown.

Genome-Nilou Lab
Classification: Uncertain significance for Microcephaly, normal intelligence and immunodeficiency. Last evaluated: 2021-11-07. Review status: criteria provided, single submitter. Criteria: ACMG Guidelines, 2015. Collection method: clinical testing. Allele origin: germline. Affected: no.

Natera, Inc.
Classification: Uncertain significance for Nijmegen breakage syndrome. Last evaluated: 2021-10-08. Review status: no assertion criteria provided. Collection method: clinical testing. Allele origin: germline. Not counted in ClinVar's aggregate classification.

Literature cited by the submitters: PubMed 38566764 (cited by Women's Health and Genetics/Laboratory Corporation of America, LabCorp).